The following is an entry in ClinVar:

ClinVar aggregate classification (germline): Likely benign (1 of 4 stars; one submission).

Allele frequency attached by ClinVar (database versions not stated): gnomAD exomes 0.00018; ExAC 0.00061; 1000 Genomes Project 30x 0.00156; ESP Exome Variant Server 0.00179; 1000 Genomes Project 0.00200; gnomAD 0.00215; TOPMed 0.00268.
gnomAD v4.1: 638 of 1,613,286 alleles (0.04%); highest among the groups gnomAD compares: African/African-American, 0.67%; 2 homozygotes.

Submission:

CeGaT Center for Human Genetics Tuebingen
Classification: Likely benign. Last evaluated: 2022-09-01. Review status: criteria provided, single submitter. Criteria: CeGaT Center For Human Genetics Tuebingen Variant Classification Criteria Version 2. Collection method: clinical testing. Allele origin: germline. Affected: yes. Observed: 1 variant allele.
Comment: DMBT1: BP4, BP7

NM_001377530.1(DMBT1):c.5304T>C (p.Ala1768=)

Gene: DMBT1 (deleted in malignant brain tumors 1; plus strand). Cytogenetic location: 10q26.13.
Variant type: single nucleotide variant.
Coding change: c.5304T>C on transcript NM_001377530.1 (MANE Select); coding-DNA position 5304, T replaced by C.
Protein change: p.Ala1768=; no amino-acid change (alanine 1768 retained).
Molecular consequence: synonymous variant.
Genome position (GRCh38, 1-based): chr10:122,621,076, T>C. VCF-style: chr10-122621076-T-C. GRCh37 (hg19) VCF-style: chr10-124380592-T-C.
Other names: c.3033T>C, p.Ala1011= (NM_004406.3); c.4917T>C, p.Ala1639= (NM_007329.3, NM_001320644.2); c.4887T>C, p.Ala1629= (NM_017579.3).
Identifiers: ClinVar variation 2640938 (VCV002640938.24), dbSNP rs142142713, ClinGen allele CA5727866.